The following is an entry in ClinVar:

NM_020529.3(NFKBIA):c.-66G>A

Genes: NFKBIA (NFKB inhibitor alpha; minus strand), LOC130055497 (ATAC-STARR-seq lymphoblastoid silent region 5676; plus strand). Cytogenetic location: 14q13.2.
Variant type: single nucleotide variant.
Coding change: c.-66G>A on transcript NM_020529.3 (MANE Select); 66 bases upstream of the start codon, G replaced by A.
Molecular consequence: 5 prime UTR variant.
Genome position (GRCh38, 1-based): chr14:35,404,710, C>T on the plus strand (G>A on the coding strand, the complement: NFKBIA is on the minus strand). VCF-style: chr14-35404710-C-T. GRCh37 (hg19) VCF-style: chr14-35873916-C-T.
Identifiers: ClinVar variation 313119 (VCV000313119.6), dbSNP rs2273651, ClinGen allele CA10640127.

ClinVar aggregate classification (germline): Benign. Review status: criteria provided, multiple submitters, no conflicts (2 of 4 stars). 2 submissions from 2 submitters: Benign (2). Last evaluated 2018-01-12.

Conditions:
Ectodermal dysplasia and immunodeficiency 2. Identifiers: Orphanet 238468, Orphanet 98813, MedGen C2677481, MONDO:0012806, OMIM 612132.

Allele frequency attached by ClinVar (database versions not stated): gnomAD exomes 0.00124; gnomAD 0.00614 and 0.00638; 1000 Genomes Project 0.00839; TOPMed 0.00850; 1000 Genomes Project 30x 0.00921.
gnomAD v4.1: 2,275 of 1,172,732 alleles (0.19%); highest among the groups gnomAD compares: Admixed American, 3.4%; 38 homozygotes.

Submissions (2):

Illumina Laboratory Services, Illumina
Classification: Benign for Ectodermal dysplasia and immunodeficiency 2. Last evaluated: 2018-01-12. Review status: criteria provided, single submitter. Criteria: ICSL Variant Classification Criteria 13 December 2019. Collection method: clinical testing. Allele origin: germline.
Comment: This variant was observed in the ICSL laboratory as part of a predisposition screen in an ostensibly healthy population. It had not been previously curated by ICSL or reported in the Human Gene Mutation Database (HGMD: prior to June 1st, 2018), and was therefore a candidate for classification through an automated scoring system. Utilizing variant allele frequency, disease prevalence and penetrance estimates, and inheritance mode, an automated score was calculated to assess if this variant is too frequent to cause the disease. Based on the score and internal cut-off values, a variant classified as benign is not then subjected to further curation. The score for this variant resulted in a classification of benign for this disease.

Breakthrough Genomics
Classification: Benign. Review status: criteria provided, single submitter. Criteria: ACMG Guidelines, 2015. Collection method: not provided. Allele origin: germline. Inheritance: Autosomal dominant inheritance. Affected: yes.